The following is an entry in ClinVar:

NM_000053.4(ATP7B):c.4111C>T (p.Leu1371=)

Gene: ATP7B (ATPase copper transporting beta; minus strand). Cytogenetic location: 13q14.3.
Variant type: single nucleotide variant.
Coding change: c.4111C>T on transcript NM_000053.4 (MANE Select); coding-DNA position 4111, C replaced by T.
Protein change: p.Leu1371=; no amino-acid change (leucine 1371 retained).
Molecular consequence: synonymous variant.
Genome position (GRCh38, 1-based): chr13:51,935,606, G>A on the plus strand (C>T on the coding strand, the complement: ATP7B is on the minus strand). VCF-style: chr13-51935606-G-A. GRCh37 (hg19) VCF-style: chr13-52509742-G-A.
Other names: c.3490C>T, p.Leu1164= (NM_001005918.3); c.3778C>T, p.Leu1260= (NM_001243182.2); c.3877C>T, p.Leu1293= (NM_001330578.2); c.3859C>T, p.Leu1287= (NM_001330579.2).
Identifiers: ClinVar variation 741129 (VCV000741129.9), dbSNP rs953317531, ClinGen allele CA250072102.

ClinVar aggregate classification (germline): Likely benign. Review status: criteria provided, multiple submitters, no conflicts (2 of 4 stars). 2 submissions from 2 submitters: Likely benign (2). Last evaluated 2024-05-14.

Conditions:
Wilson disease (WND). Also called: Wilson's disease. Identifiers: Orphanet 905, MedGen C0019202, MONDO:0010200, OMIM 277900. Disease mechanism: loss of function.

Allele frequency attached by ClinVar (database versions not stated): gnomAD exomes 0.00001.
gnomAD v4.1: 6 of 1,613,570 alleles (0.00037%); highest among the groups gnomAD compares: Non-Finnish European, 0.00042%; no homozygotes.

Submissions (2):

All of Us Research Program, National Institutes of Health
Classification: Likely benign for Wilson disease. Last evaluated: 2024-05-14. Review status: criteria provided, single submitter. Criteria: ACMG Guidelines, 2015. Collection method: clinical testing. Allele origin: germline. Inheritance: Autosomal recessive inheritance. Observed: 1 variant allele, 1 heterozygote.
Comment: This study involves interpretation of variants in research participants for the purpose of population health screening. Participant phenotype was not available at the time of variant classification. Additional details can be found in publication PMID: 35346344, PMCID: PMC8962531

Labcorp Genetics (formerly Invitae), Labcorp
Classification: Likely benign for Wilson disease. Last evaluated: 2024-03-16. Review status: criteria provided, single submitter. Criteria: Invitae Variant Classification Sherloc (09022015). Collection method: clinical testing. Allele origin: germline.